The following is an entry in ClinVar:

ClinVar aggregate classification (germline): Pathogenic (1 of 4 stars; one submission).

Conditions:
Mosaic variegated aneuploidy syndrome 2 (MVA2). Identifiers: Orphanet 1052, MedGen C3279843, MONDO:0013582, OMIM 614114.

Submission:

Labcorp Genetics (formerly Invitae), Labcorp
Classification: Pathogenic for Mosaic variegated aneuploidy syndrome 2. Last evaluated: 2026-01-26. Review status: criteria provided, single submitter. Criteria: Invitae Variant Classification Sherloc (09022015). Collection method: clinical testing. Allele origin: germline.
Comment: This sequence change creates a premature translational stop signal (p.Thr201Glnfs*38) in the CEP57 gene. It is expected to result in an absent or disrupted protein product. Loss-of-function variants in CEP57 are known to be pathogenic (PMID: 21552266, 24259107). This variant is not present in population databases (gnomAD no frequency). This variant has not been reported in the literature in individuals affected with CEP57-related conditions. For these reasons, this variant has been classified as Pathogenic.

Literature cited by the submitters: PubMed 21552266; PubMed 24259107.

NM_014679.5(CEP57):c.600del (p.Thr201fs)

Gene: CEP57 (centrosomal protein 57; plus strand). Cytogenetic location: 11q21.
Variant type: Deletion.
Coding change: c.600del on transcript NM_014679.5 (MANE Select); coding-DNA position 600, one base deleted (C; older notation c.600delC).
Protein change: p.Thr201fs; shifts the reading frame from threonine 201.
Molecular consequence: frameshift variant. On other transcripts: intron variant (7).
Genome position (GRCh38, 1-based): chr11:95,817,882, C deleted; the last of 2 consecutive C bases (chr11:95,817,881-95,817,882); deleting either gives the same sequence. VCF-style (leftmost placement, unchanged base first): chr11-95817880-AC-A. GRCh37 (hg19) VCF-style: chr11-95551044-AC-A.
Other names: c.573del, p.Thr192fs (NM_001243776.2); c.600del, p.Thr201fs (NM_001243777.2, NM_001440871.1, NM_001440874.1); c.519del, p.Thr174fs (NM_001363604.2, NM_001440869.1, NM_001440870.1 and 1 more transcripts); c.420del, p.Thr141fs (NM_001440873.1); c.339del, p.Thr114fs (NM_001440880.1); c.424-945del (NM_001440877.1, NM_001440878.1); c.505-945del (NM_001440872.1, NM_001440876.1, NM_001440879.1 and 1 more transcripts); c.325-945del (NM_001440881.1); short protein forms T141fs, T192fs, T114fs, T201fs, T174fs.
Identifiers: ClinVar variation 4751150 (VCV004751150.1).